The following is an entry in ClinVar:

ClinVar aggregate classification (germline): Benign. Review status: criteria provided, multiple submitters, no conflicts (2 of 4 stars). 2 submissions from 2 submitters: Benign (2). Last evaluated 2023-01-01.

Allele frequency attached by ClinVar (database versions not stated): 1000 Genomes Project 30x 0.00500; 1000 Genomes Project 0.00599; gnomAD exomes 0.00863 and 0.01146; ExAC 0.00889; gnomAD 0.00936 and 0.00944; TOPMed 0.00962; ESP Exome Variant Server 0.00976.
gnomAD v4.1: 18,071 of 1,614,216 alleles (1.1%); highest among the groups gnomAD compares: Middle Eastern, 1.6%; 131 homozygotes.

Submissions (2):

CeGaT Center for Human Genetics Tuebingen
Classification: Benign. Last evaluated: 2023-01-01. Review status: criteria provided, single submitter. Criteria: CeGaT Center For Human Genetics Tuebingen Variant Classification Criteria Version 2. Collection method: clinical testing. Allele origin: germline. Affected: yes. Observed: 1 variant allele.
Comment: RING1: BP4, BP7, BS1, BS2

Labcorp Genetics (formerly Invitae), Labcorp
Classification: Benign. Last evaluated: 2019-12-31. Review status: criteria provided, single submitter. Criteria: Invitae Variant Classification Sherloc (09022015). Collection method: clinical testing. Allele origin: germline.

NM_002931.4(RING1):c.330C>T (p.Ile110=)

Gene: RING1 (ring finger protein 1; plus strand). Cytogenetic location: 6p21.32.
Variant type: single nucleotide variant.
Coding change: c.330C>T on transcript NM_002931.4 (MANE Select); coding-DNA position 330, C replaced by T.
Protein change: p.Ile110=; no amino-acid change (isoleucine 110 retained).
Molecular consequence: synonymous variant.
Genome position (GRCh38, 1-based): chr6:33,210,005, C>T. VCF-style: chr6-33210005-C-T. GRCh37 (hg19) VCF-style: chr6-33177782-C-T.
Identifiers: ClinVar variation 791566 (VCV000791566.28), dbSNP rs61736933, ClinGen allele CA3752939.